The following is an entry in ClinVar:

NM_000553.6(WRN):c.4243A>C (p.Ser1415Arg)

Genes: WRN (WRN RecQ like helicase; plus strand), LOC126860342 (MED14-independent group 3 enhancer GRCh37_chr8:31029565-31030764; plus strand). Cytogenetic location: 8p12.
Variant type: single nucleotide variant.
Coding change: c.4243A>C on transcript NM_000553.6 (MANE Select); coding-DNA position 4243, A replaced by C.
Protein change: p.Ser1415Arg; replaces serine 1415 with arginine.
Molecular consequence: missense variant.
Genome position (GRCh38, 1-based): chr8:31,173,046, A>C. VCF-style: chr8-31173046-A-C. GRCh37 (hg19) VCF-style: chr8-31030562-A-C.
Other names: short protein forms S1415R.
Identifiers: ClinVar variation 4808023 (VCV004808023.1).

ClinVar aggregate classification (germline): Uncertain significance (1 of 4 stars; one submission).

Conditions:
Werner syndrome (WRN). Identifiers: Orphanet 902, MedGen C0043119, MONDO:0010196, OMIM 277700.

Submission:

Labcorp Genetics (formerly Invitae), Labcorp
Classification: Uncertain significance for Werner syndrome. Last evaluated: 2025-12-24. Review status: criteria provided, single submitter. Criteria: Invitae Variant Classification Sherloc (09022015). Collection method: clinical testing. Allele origin: germline.
Comment: This sequence change replaces serine, which is neutral and polar, with arginine, which is basic and polar, at codon 1415 of the WRN protein (p.Ser1415Arg). This variant is present in population databases (no rsID available, gnomAD 0.006%). This variant has not been reported in the literature in individuals affected with WRN-related conditions. An algorithm developed to predict the effect of missense changes on protein structure and function (PolyPhen-2) suggests that this variant is likely to be tolerated. In summary, the available evidence is currently insufficient to determine the role of this variant in disease. Therefore, it has been classified as a Variant of Uncertain Significance.